The following is an entry in ClinVar:

NM_007294.4(BRCA1):c.3683del (p.His1228fs)

Genes: BRCA1 (BRCA1 DNA repair associated; minus strand), LOC126862571 (BRD4-independent group 4 enhancer GRCh37_chr17:41243136-41244335; plus strand). Cytogenetic location: 17q21.31.
Variant type: Deletion.
Coding change: c.3683del on transcript NM_007294.4 (MANE Select); coding-DNA position 3683, one base deleted (A; older notation c.3683delA).
Protein change: p.His1228fs; shifts the reading frame from histidine 1228.
Molecular consequence: frameshift variant. On other transcripts: intron variant (135).
Genome position (GRCh38, 1-based): chr17:43,091,848, T deleted on the plus strand (A on the coding strand, the reverse complement: BRCA1 is on the minus strand). VCF-style (leftmost placement, unchanged base first): chr17-43091847-GT-G. GRCh37 (hg19) VCF-style: chr17-41243864-GT-G.
Other names: 3802delA; c.578-816del (NM_001408483.1, NM_001408481.1, NM_001408480.1 and 9 more transcripts); c.665-816del (NM_001408442.1, NM_001408426.1, NM_001408436.1 and 12 more transcripts); c.788-816del (NM_001407982.1, NM_001407970.1, NM_001407980.1 and 17 more transcripts); c.3470del, p.His1157fs (NM_001407571.1, NM_001407853.1, NM_001407894.1 and 9 more transcripts); c.3683del, p.His1228fs (NM_001407581.1, NM_001407582.1, NM_001407583.1 and 30 more transcripts); c.3680del, p.His1227fs (NM_001407587.1, NM_001407590.1, NM_001407591.1 and 22 more transcripts); c.3674del, p.His1225fs (NM_001407646.1, NM_001407647.1); and 42 more; short protein forms H1181fs, H1228fs, H1100fs, H1117fs, H1158fs, H1160fs, H1202fs, H1225fs.
Identifiers: ClinVar variation 37539 (VCV000037539.10), dbSNP rs397507217, ClinGen allele CA002355.

ClinVar aggregate classification (germline): Pathogenic. Review status: reviewed by expert panel (3 of 4 stars). 6 submissions from 6 submitters: Pathogenic (1). 5 of the submissions do not count toward it. Last evaluated 2016-09-08.

Conditions:
Hereditary cancer-predisposing syndrome. Also called: Tumor predisposition; Neoplastic Syndromes, Hereditary; Hereditary Cancer Syndrome; Hereditary neoplastic syndrome. Identifiers: Orphanet 140162, MedGen C0027672, MeSH D009386, MONDO:0015356.
Hereditary breast ovarian cancer syndrome. Also called: Hereditary breast and ovarian cancer syndrome (HBOC); Hereditary breast and ovarian cancer syndrome; Hereditary breast and ovarian cancer; Hereditary breast and/or ovarian cancer syndrome; Breast and ovarian cancer; BRCA1- and BRCA2-Associated Hereditary Breast and Ovarian Cancer. Identifiers: Orphanet 145, MedGen C0677776, MeSH D061325, MONDO:0003582. Disease mechanism: loss of function.
Breast-ovarian cancer, familial, susceptibility to, 1 (BROVCA1). Also called: OVARIAN CANCER, SUSCEPTIBILITY TO; BRCA1 Hereditary Breast and Ovarian Cancer. Identifiers: Orphanet 145, MedGen C2676676, MONDO:0011450, OMIM 604370. Disease mechanism: loss of function.

Submissions (6):

Evidence-based Network for the Interpretation of Germline Mutant Alleles (ENIGMA)
Classification: Pathogenic for Breast-ovarian cancer, familial, susceptibility to, 1. Last evaluated: 2016-09-08. Review status: reviewed by expert panel. Criteria: ENIGMA BRCA1/2 Classification Criteria (2015). Collection method: curation. Allele origin: germline.
Comment: Variant allele predicted to encode a truncated non-functional protein.

Institute of Immunology and Genetics Kaiserslautern
Classification: Pathogenic for Breast-ovarian cancer, familial, susceptibility to, 1. Last evaluated: 2025-07-29. Review status: criteria provided, single submitter. Criteria: ACMG Guidelines, 2015. Collection method: clinical testing. Allele origin: germline. Affected: yes. Not counted in ClinVar's aggregate classification.
Comment: ACMG Criteria: PVS1, PS4, PM2_P, PP1, PP3, PP4, PP5_M.

Labcorp Genetics (formerly Invitae), Labcorp
Classification: Pathogenic for Hereditary breast ovarian cancer syndrome. Last evaluated: 2025-03-09. Review status: criteria provided, single submitter. Criteria: Invitae Variant Classification Sherloc (09022015). Collection method: clinical testing. Allele origin: germline. Not counted in ClinVar's aggregate classification.
Comment: This sequence change creates a premature translational stop signal (p.His1228Profs*7) in the BRCA1 gene. It is expected to result in an absent or disrupted protein product. Loss-of-function variants in BRCA1 are known to be pathogenic (PMID: 20104584). This variant is not present in population databases (gnomAD no frequency). This variant has not been reported in the literature in individuals affected with BRCA1-related conditions. ClinVar contains an entry for this variant (Variation ID: 37539). For these reasons, this variant has been classified as Pathogenic.

Ambry Genetics
Classification: Pathogenic for Hereditary cancer-predisposing syndrome. Last evaluated: 2021-06-16. Review status: criteria provided, single submitter. Criteria: Ambry Variant Classification Scheme 2023. Collection method: clinical testing. Allele origin: germline. Not counted in ClinVar's aggregate classification.
Comment: The c.3683delA pathogenic mutation, located in coding exon 9 of the BRCA1 gene, results from a deletion of one nucleotide at nucleotide position 3683, causing a translational frameshift with a predicted alternate stop codon (p.H1228Pfs*7). This alteration was identified in a large, worldwide study of BRCA1/2 mutation positive families (Rebbeck TR et al. Hum Mutat, 2018 05;39:593-620). In addition to the clinical data presented in the literature, this alteration is expected to result in loss of function by premature protein truncation or nonsense-mediated mRNA decay. As such, this alteration is interpreted as a disease-causing mutation.

Consortium of Investigators of Modifiers of BRCA1/2 (CIMBA), c/o University of Cambridge
Classification: Pathogenic for Breast-ovarian cancer, familial, susceptibility to, 1. Last evaluated: 2015-10-02. Review status: criteria provided, single submitter. Criteria: CIMBA Mutation Classification guidelines May 2016. Collection method: clinical testing. Allele origin: germline. Not counted in ClinVar's aggregate classification.

Sharing Clinical Reports Project (SCRP)
Classification: Pathogenic for Breast-ovarian cancer, familial 1. Last evaluated: 2006-12-08. Review status: no assertion criteria provided. Collection method: clinical testing. Allele origin: germline. Not counted in ClinVar's aggregate classification.

Literature cited by the submitters: PubMed 20104584 (cited by Labcorp Genetics (formerly Invitae), Labcorp); PubMed 29446198 (cited by Ambry Genetics).